The following is an entry in ClinVar:

ClinVar aggregate classification (germline): Uncertain significance (1 of 4 stars; one submission).

Conditions:
Cardiovascular phenotype. Identifiers: MedGen CN230736.

Submission:

Ambry Genetics
Classification: Uncertain significance for Cardiovascular phenotype. Last evaluated: 2020-10-20. Review status: criteria provided, single submitter. Criteria: Ambry Variant Classification Scheme 2023. Collection method: clinical testing. Allele origin: germline.
Comment: The c.3140_3157dup18 variant (also known as p.C1047_V1052dup), located in coding exon 38 of the CACNA2D1 gene, results from an in-frame duplication of 18 nucleotides at nucleotide positions 3140 to 3157. This results in the duplication of 6 extra residues (CFDNNV) between codons 1047 and 1052. This amino acid region is not well conserved in available vertebrate species. In addition, this alteration is predicted to be deleterious by in silico analysis (Choi Y et al. PLoS ONE. 2012; 7(10):e46688). Since supporting evidence is limited at this time, the clinical significance of this alteration remains unclear.

NM_000722.4(CACNA2D1):c.3140_3157dup (p.Val1052_Leu1053insCysPheAspAsnAsnVal)

Gene: CACNA2D1 (calcium voltage-gated channel auxiliary subunit alpha2delta 1; minus strand). Cytogenetic location: 7q21.11.
Variant type: Duplication.
Coding change: c.3140_3157dup on transcript NM_000722.4 (MANE Select); coding-DNA positions 3140 to 3157, 18 bases duplicated (GCTTTGATAACAATGTCT).
Protein change: p.Val1052_Leu1053insCysPheAspAsnAsnVal.
Molecular consequence: inframe insertion. On other transcripts: inframe indel (1).
Genome position (GRCh38, 1-based): chr7:81,959,277-81,959,294, AGACATTGTTATCAAAGC duplicated on the plus strand (GCTTTGATAACAATGTCT on the coding strand, the reverse complement: CACNA2D1 is on the minus strand); duplicating any 18 consecutive bases within chr7:81,959,277-81,959,300 gives the same sequence; the c. name uses the placement nearest the transcript's 3' end. VCF-style (leftmost placement, unchanged base first): chr7-81959276-A-AAGACATTGTTATCAAAGC. GRCh37 (hg19) VCF-style: chr7-81588592-A-AAGACATTGTTATCAAAGC.
Other names: c.3176_3193dup, p.Val1064_Leu1065insCysPheAspAsnAsnVal (NM_001366867.1); c.3140_3157dupGCTTTGATAACAATGTCT (NM_000722.2).
Identifiers: ClinVar variation 1728084 (VCV001728084.2), dbSNP rs2484344685, ClinGen allele CA2580077384.